The following is an entry in ClinVar:

ClinVar aggregate classification (germline): Pathogenic (1 of 4 stars; one submission).

Conditions:
Microcephaly, normal intelligence and immunodeficiency (NBS). Also called: Nijmegen breakage syndrome; Microcephaly with normal intelligence immunodeficiency and lymphoreticular malignancies; Nonsyndromal microcephaly autosomal recessive with normal intelligence; Seemanova syndrome 2; Immunodeficiency, microcephaly with normal intelligence; Ataxia telangiectasia variant V1. Identifiers: Orphanet 647, MedGen C0398791, MONDO:0009623, OMIM 251260.

Submission:

Labcorp Genetics (formerly Invitae), Labcorp
Classification: Pathogenic for Microcephaly, normal intelligence and immunodeficiency. Last evaluated: 2022-04-15. Review status: criteria provided, single submitter. Criteria: Invitae Variant Classification Sherloc (09022015). Collection method: clinical testing. Allele origin: germline.
Comment: For these reasons, this variant has been classified as Pathogenic. This variant has not been reported in the literature in individuals affected with NBN-related conditions. This variant is not present in population databases (gnomAD no frequency). This sequence change creates a premature translational stop signal (p.Lys287Glufs*17) in the NBN gene. It is expected to result in an absent or disrupted protein product. Loss-of-function variants in NBN are known to be pathogenic (PMID: 9590180, 16415040).

Literature cited by the submitters: PubMed 9590180; PubMed 16415040.

NM_002485.5(NBN):c.857dup (p.Lys287fs)

Gene: NBN (nibrin; minus strand). Cytogenetic location: 8q21.3.
Variant type: Duplication.
Coding change: c.857dup on transcript NM_002485.5 (MANE Select); coding-DNA position 857, one base duplicated (A; older notation c.857dupA).
Protein change: p.Lys287fs; shifts the reading frame from lysine 287.
Molecular consequence: frameshift variant.
Genome position (GRCh38, 1-based): chr8:89,970,403, T duplicated on the plus strand (A on the coding strand, the reverse complement: NBN is on the minus strand). VCF-style (leftmost placement, unchanged base first): chr8-89970402-C-CT. GRCh37 (hg19) VCF-style: chr8-90982630-C-CT.
Other names: c.611dup, p.Lys205fs (NM_001024688.3); short protein forms K205fs, K287fs.
Identifiers: ClinVar variation 2126240 (VCV002126240.4), dbSNP rs2488309283, ClinGen allele CA2580079035.
Genomic context (GRCh38, chr8:89,970,402, plus strand): 5'-CTAATAAAGAATAATTCTATACCTTTGGAGCATATCCATTATTGACTGAATCCATTTCTT[C>CT]TGACAGTCAGGAATTAAGGTCTGTGAGTTTGTTATTCCTGTATCAACAACACACGTTCCC-3'